The following is an entry in ClinVar:

ClinVar aggregate classification (germline): Uncertain significance (1 of 4 stars; one submission).

Submission:

Dasa
Classification: Uncertain significance. Last evaluated: 2024-12-05. Review status: criteria provided, single submitter. Criteria: DASA Assertion Criteria. Collection method: clinical testing. Allele origin: germline.
Comment: NM_001378418.1(TCF20):c.5499A>C (p.Glu1833Asp) is a missense variant that results in the substitution of glutamic acid with aspartic acid. This variant is absent from population databases. Computational prediction algorithms are consistent with a benign effect. The currently available literature and clinical evidence are not sufficient to establish a definitive association between this variant and the reported condition. Therefore, this variant is classified as a variant of uncertain significance.

NM_001378418.1(TCF20):c.5499A>C (p.Glu1833Asp)

Gene: TCF20 (transcription factor 20; minus strand). Cytogenetic location: 22q13.2.
Variant type: single nucleotide variant.
Coding change: c.5499A>C on transcript NM_001378418.1 (MANE Select); coding-DNA position 5499, A replaced by C.
Protein change: p.Glu1833Asp; replaces glutamic acid 1833 with aspartic acid.
Molecular consequence: missense variant.
Genome position (GRCh38, 1-based): chr22:42,209,807, T>G on the plus strand (A>C on the coding strand, the complement: TCF20 is on the minus strand). VCF-style: chr22-42209807-T-G. GRCh37 (hg19) VCF-style: chr22-42605813-T-G.
Other names: c.5499A>C, p.Glu1833Asp (NM_005650.4, NM_181492.3); short protein forms E1833D.
Identifiers: ClinVar variation 4883782 (VCV004883782.2).
Genomic context (GRCh38, chr22:42,209,807, plus strand): 5'-CCAAAATTCATTGCTGTCAAGAGGTAGTTCAGGGATTTGTAACTCCAGCTCAGGGCCACC[T>G]TCTGAAGTGGTGGGCACGGAGGGCTTCGAGTCCAAAACAGTCTTTTCACTGCTGCCCTCA-3'
Protein context (NP_001365347.1, residues 1823-1843): DSKPSVPTTS[Glu1833Asp]GGPELELQIP